The following is an entry in ClinVar:

NM_001136191.3(KANK2):c.560A>T (p.His187Leu)

Gene: KANK2 (KN motif and ankyrin repeat domains 2; minus strand). Cytogenetic location: 19p13.2.
Variant type: single nucleotide variant.
Coding change: c.560A>T on transcript NM_001136191.3 (MANE Select); coding-DNA position 560, A replaced by T.
Protein change: p.His187Leu; replaces histidine 187 with leucine.
Molecular consequence: missense variant.
Genome position (GRCh38, 1-based): chr19:11,193,520, T>A on the plus strand (A>T on the coding strand, the complement: KANK2 is on the minus strand). VCF-style: chr19-11193520-T-A. GRCh37 (hg19) VCF-style: chr19-11304196-T-A.
Other names: c.560A>T, p.His187Leu (NM_001329451.2, NM_001379548.1, NM_001379549.1 and 15 more transcripts); short protein forms H187L.
Identifiers: ClinVar variation 4746496 (VCV004746496.1).

ClinVar aggregate classification (germline): Uncertain significance (1 of 4 stars; one submission).

gnomAD v4.1: 1 of 1,608,078 alleles (0.000062%); highest among the groups gnomAD compares: Admixed American, 0.0017%; no homozygotes.

Submission:

Labcorp Genetics (formerly Invitae), Labcorp
Classification: Uncertain significance. Last evaluated: 2025-09-03. Review status: criteria provided, single submitter. Criteria: Invitae Variant Classification Sherloc (09022015). Collection method: clinical testing. Allele origin: germline.
Comment: This sequence change replaces histidine, which is basic and polar, with leucine, which is neutral and non-polar, at codon 187 of the KANK2 protein (p.His187Leu). This variant is not present in population databases (gnomAD no frequency). This variant has not been reported in the literature in individuals affected with KANK2-related conditions. An algorithm developed to predict the effect of missense changes on protein structure and function (PolyPhen-2) suggests that this variant is likely to be disruptive. In summary, the available evidence is currently insufficient to determine the role of this variant in disease. Therefore, it has been classified as a Variant of Uncertain Significance.